The following is an entry in ClinVar:

ClinVar aggregate classification (germline): Conflicting classifications of pathogenicity. Review status: criteria provided, conflicting classifications (1 of 4 stars). 2 submissions from 2 submitters: Uncertain significance (1); Likely benign (1). Last evaluated 2025-03-18.

Conditions:
Hereditary cancer-predisposing syndrome. Also called: Tumor predisposition; Neoplastic Syndromes, Hereditary; Hereditary neoplastic syndrome; Hereditary Cancer Syndrome. Identifiers: Orphanet 140162, MedGen C0027672, MeSH D009386, MONDO:0015356.
Ataxia-telangiectasia syndrome (AT). Also called: Ataxia-telangiectasia, complementation group D; AT, COMPLEMENTATION GROUP C; ATAXIA-TELANGIECTASIA, COMPLEMENTATION GROUP A; ATAXIA-TELANGIECTASIA, FRESNO VARIANT; Ataxia-telangiectasia; Ataxia telangiectasia (A-T). Identifiers: Orphanet 100, MedGen C0004135, MONDO:0008840, OMIM 208900.

Submissions (2):

Labcorp Genetics (formerly Invitae), Labcorp
Classification: Likely benign for Ataxia-telangiectasia syndrome. Last evaluated: 2025-03-18. Review status: criteria provided, single submitter. Criteria: Invitae Variant Classification Sherloc (09022015). Collection method: clinical testing. Allele origin: germline.

Color Diagnostics, LLC DBA Color Health
Classification: Uncertain significance for Hereditary cancer-predisposing syndrome. Last evaluated: 2019-08-01. Review status: criteria provided, single submitter. Criteria: ACMG Guidelines, 2015. Collection method: clinical testing. Allele origin: germline.
Comment: This variant causes a C>G nucleotide substitution at the -11 position of intron 59 of the ATM gene. To our knowledge, functional assays have not been performed for this variant nor has this variant been reported in individuals affected with hereditary cancer in the literature. This variant has not been identified in the general population by the Genome Aggregation Database (gnomAD). Available evidence is insufficient to determine the role of this variant in disease conclusively. Therefore, this variant is classified as a Variant of Uncertain Significance.

NM_000051.4(ATM):c.8672-11C>G

Genes: ATM (ATM serine/threonine kinase; plus strand), C11orf65 (chromosome 11 open reading frame 65; minus strand). Cytogenetic location: 11q22.3.
Variant type: single nucleotide variant.
Coding change: c.8672-11C>G on transcript NM_000051.4 (MANE Select); 11 bases into the intron before coding-DNA position 8672, C replaced by G.
Molecular consequence: intron variant.
Genome position (GRCh38, 1-based): chr11:108,353,755, C>G. VCF-style: chr11-108353755-C-G. GRCh37 (hg19) VCF-style: chr11-108224482-C-G.
Other names: c.8672-11C>G (NM_001351834.2); c.640+32165G>C (NM_001330368.2); c.695-18463G>C (NM_001351110.2).
Identifiers: ClinVar variation 923320 (VCV000923320.8), dbSNP rs2089488144, ClinGen allele CA1139662207.